The following is an entry in ClinVar:

NM_000051.4(ATM):c.2593A>C (p.Ser865Arg)

Gene: ATM (ATM serine/threonine kinase; plus strand). Cytogenetic location: 11q22.3.
Variant type: single nucleotide variant.
Coding change: c.2593A>C on transcript NM_000051.4 (MANE Select); coding-DNA position 2593, A replaced by C.
Protein change: p.Ser865Arg; replaces serine 865 with arginine.
Molecular consequence: missense variant.
Genome position (GRCh38, 1-based): chr11:108,267,297, A>C. VCF-style: chr11-108267297-A-C. GRCh37 (hg19) VCF-style: chr11-108138024-A-C.
Other names: c.2593A>C, p.Ser865Arg (NM_001351834.2); c.2593A>C (NM_000051.3); short protein forms S865R.
Identifiers: ClinVar variation 1686475 (VCV001686475.7), dbSNP rs2081310612, ClinGen allele CA382544038.
Genomic context (GRCh38, chr11:108,267,297, plus strand): 5'-AATCTAATGGAGGTGGAGGATCAGTCATCCATGAATCTATTTAACGATTACCCTGATAGT[A>C]GTGTTAGTGATGCAAACGAACCTGGAGAGAGCCAAAGTACCATAGGTAAATACATATTTA-3'
Protein context (NP_000042.3, residues 855-875): MNLFNDYPDS[Ser865Arg]VSDANEPGES

ClinVar aggregate classification (germline): Conflicting classifications of pathogenicity. Review status: criteria provided, conflicting classifications (1 of 4 stars). 3 submissions from 3 submitters: Uncertain significance (2); Benign (1). Last evaluated 2026-02-16.

Conditions:
Hereditary cancer-predisposing syndrome. Also called: Tumor predisposition; Hereditary Cancer Syndrome; Hereditary neoplastic syndrome; Neoplastic Syndromes, Hereditary. Identifiers: Orphanet 140162, MedGen C0027672, MeSH D009386, MONDO:0015356.
Ataxia-telangiectasia syndrome (AT). Also called: AT, COMPLEMENTATION GROUP C; ATAXIA-TELANGIECTASIA, COMPLEMENTATION GROUP A; ATAXIA-TELANGIECTASIA, FRESNO VARIANT; Ataxia-telangiectasia; Ataxia-telangiectasia, complementation group E; Ataxia telangiectasia (A-T). Identifiers: Orphanet 100, MedGen C0004135, MONDO:0008840, OMIM 208900.

Submissions (3):

Ambry Genetics
Classification: Benign for Hereditary cancer-predisposing syndrome. Last evaluated: 2026-02-16. Review status: criteria provided, single submitter. Criteria: Ambry Variant Classification Scheme 2023. Collection method: clinical testing. Allele origin: germline.

Mendelics
Classification: Uncertain significance. Last evaluated: 2022-05-04. Review status: criteria provided, single submitter. Criteria: Mendelics Assertion Criteria 2019. Collection method: clinical testing. Allele origin: germline.

Labcorp Genetics (formerly Invitae), Labcorp
Classification: Uncertain significance for Ataxia-telangiectasia syndrome. Last evaluated: 2022-02-21. Review status: criteria provided, single submitter. Criteria: Invitae Variant Classification Sherloc (09022015). Collection method: clinical testing. Allele origin: germline.
Comment: In summary, the available evidence is currently insufficient to determine the role of this variant in disease. Therefore, it has been classified as a Variant of Uncertain Significance. Advanced modeling of protein sequence and biophysical properties (such as structural, functional, and spatial information, amino acid conservation, physicochemical variation, residue mobility, and thermodynamic stability) performed at Invitae indicates that this missense variant is not expected to disrupt ATM protein function. This variant has not been reported in the literature in individuals affected with ATM-related conditions. This variant is not present in population databases (gnomAD no frequency). This sequence change replaces serine, which is neutral and polar, with arginine, which is basic and polar, at codon 865 of the ATM protein (p.Ser865Arg).